The following is an entry in ClinVar:

ClinVar aggregate classification (germline): Likely benign. Review status: criteria provided, multiple submitters, no conflicts (2 of 4 stars). 3 submissions from 3 submitters: Likely benign (3). Last evaluated 2025-03-14.

Conditions:
PRPF8-related disorder. Also called: PRPF8-related condition.

Allele frequency attached by ClinVar (database versions not stated): ExAC 0.00001; gnomAD 0.00001; gnomAD exomes 0.00001; TOPMed 0.00002.

Submissions (3):

PreventionGenetics, part of Exact Sciences
Classification: Likely benign for PRPF8-related condition. Last evaluated: 2025-03-14. Review status: criteria provided, single submitter. Criteria: ACMG Guidelines, 2015. Collection method: clinical testing. Allele origin: germline.
Comment: This variant is classified as likely benign based on ACMG/AMP sequence variant interpretation guidelines (Richards et al. 2015 PMID: 25741868, with internal and published modifications).

Labcorp Genetics (formerly Invitae), Labcorp
Classification: Likely benign. Last evaluated: 2024-05-02. Review status: criteria provided, single submitter. Criteria: Invitae Variant Classification Sherloc (09022015). Collection method: clinical testing. Allele origin: germline.

Blueprint Genetics
Classification: Likely benign. Last evaluated: 2022-11-22. Review status: criteria provided, single submitter. Criteria: ACMG Guidelines, 2015. Collection method: clinical testing. Allele origin: germline.

NM_006445.4(PRPF8):c.4077T>C (p.His1359=)

Gene: PRPF8 (pre-mRNA processing factor 8; minus strand). Cytogenetic location: 17p13.3.
Variant type: single nucleotide variant.
Coding change: c.4077T>C on transcript NM_006445.4 (MANE Select); coding-DNA position 4077, T replaced by C.
Protein change: p.His1359=; no amino-acid change (histidine 1359 retained).
Molecular consequence: synonymous variant.
Genome position (GRCh38, 1-based): chr17:1,661,736, A>G on the plus strand (T>C on the coding strand, the complement: PRPF8 is on the minus strand). VCF-style: chr17-1661736-A-G. GRCh37 (hg19) VCF-style: chr17-1565030-A-G.
Identifiers: ClinVar variation 725813 (VCV000725813.10), dbSNP rs766984158, ClinGen allele CA8271732.